The following is an entry in ClinVar:

ClinVar aggregate classification (germline): Benign/Likely benign. Review status: criteria provided, multiple submitters, no conflicts (2 of 4 stars). 6 submissions from 6 submitters: Benign (3); Likely benign (2). 1 of the submissions does not count toward it. Last evaluated 2025-12-29.

Conditions:
NEBL-related disorder. Also called: NEBL-related condition.
Primary dilated cardiomyopathy (DCM). Also called: Dilated Cardiomyopathy. Identifiers: Orphanet 217604, MedGen C0007193, MeSH D002311, MONDO:0005021, HP:0001644. Inheritance: Various modes of inheritance.

Allele frequency attached by ClinVar (database versions not stated): gnomAD 0.00019 and 0.00029; TOPMed 0.00020; gnomAD exomes 0.00045 and 0.00048; ExAC 0.00046; 1000 Genomes Project 30x 0.00047; 1000 Genomes Project 0.00060.
gnomAD v4.1: 698 of 1,597,640 alleles (0.044%); highest among the groups gnomAD compares: East Asian, 1.1%; 9 homozygotes.

Submissions (6):

Labcorp Genetics (formerly Invitae), Labcorp
Classification: Benign for Primary dilated cardiomyopathy. Last evaluated: 2025-12-29. Review status: criteria provided, single submitter. Criteria: Invitae Variant Classification Sherloc (09022015). Collection method: clinical testing. Allele origin: germline.

Women's Health and Genetics/Laboratory Corporation of America, LabCorp
Classification: Benign. Last evaluated: 2024-03-30. Review status: criteria provided, single submitter. Criteria: LabCorp Variant Classification Summary - May 2015. Collection method: clinical testing. Allele origin: germline.

Ambry Genetics
Classification: Likely benign. Last evaluated: 2022-03-03. Review status: criteria provided, single submitter. Criteria: Ambry Variant Classification Scheme 2023. Collection method: clinical testing. Allele origin: germline.

GeneDx
Classification: Benign. Last evaluated: 2015-06-26. Review status: criteria provided, single submitter. Criteria: GeneDx Variant Classification (06012015). Collection method: clinical testing. Allele origin: germline. Affected: yes.
Comment: This variant is considered likely benign or benign based on one or more of the following criteria: it is a conservative change, it occurs at a poorly conserved position in the protein, it is predicted to be benign by multiple in silico algorithms, and/or has population frequency not consistent with disease.

Laboratory for Molecular Medicine, Mass General Brigham Personalized Medicine
Classification: Likely benign. Last evaluated: 2012-03-19. Review status: criteria provided, single submitter. Criteria: LMM Criteria. Collection method: clinical testing. Allele origin: germline. Observed: 2 variant alleles.
Comment: p.Asp576Asp in Exon 17 of NEBL: This variant is not expected to have clinical si gnificance because it does not alter an amino acid residue, is not located withi n the splice consensus sequence.

PreventionGenetics, part of Exact Sciences
Classification: Likely benign for NEBL-related condition. Last evaluated: 2019-03-15. Review status: no assertion criteria provided. Collection method: clinical testing. Allele origin: germline. Not counted in ClinVar's aggregate classification.
Comment: This variant is classified as likely benign based on ACMG/AMP sequence variant interpretation guidelines (Richards et al. 2015 PMID: 25741868, with internal and published modifications).

NM_006393.3(NEBL):c.1728T>C (p.Asp576=)

Gene: NEBL (nebulette; minus strand). Cytogenetic location: 10p12.31.
Variant type: single nucleotide variant.
Coding change: c.1728T>C on transcript NM_006393.3 (MANE Select); coding-DNA position 1728, T replaced by C.
Protein change: p.Asp576=; no amino-acid change (aspartic acid 576 retained).
Molecular consequence: synonymous variant. On other transcripts: intron variant (9).
Genome position (GRCh38, 1-based): chr10:20,828,578, A>G on the plus strand (T>C on the coding strand, the complement: NEBL is on the minus strand). VCF-style: chr10-20828578-A-G. GRCh37 (hg19) VCF-style: chr10-21117507-A-G.
Other names: c.250-15638T>C (NM_001377326.1, NM_001377327.1, NM_001377328.1); c.358-15638T>C (NM_213569.2, NM_001173484.2, NM_001377322.1); c.301-15638T>C (NM_001377324.1); c.292-15638T>C (NM_001377325.1); c.310-15638T>C (NM_001377323.1).
Identifiers: ClinVar variation 178097 (VCV000178097.21), dbSNP rs1528182, ClinGen allele CA181395.
Genomic context (GRCh38, chr10:20,828,578, plus strand): 5'-ATGGCTACTCACCGCACTAATGTTTTGTTGAGTTGTCTTAATTCTCTGAATTTCAGGAGT[A>G]TCTGCTATGGTAGAATAGTTAGAAAGCATCTTCTCTGCTTCATCTTTATACTTTCTCTAA-3'
Protein context (NP_006384.1, residues 566-586): KMLSNYSTIA[Asp576=]TPEIQRIKTT